The following is an entry in ClinVar:

ClinVar aggregate classification (germline): Uncertain significance. Review status: criteria provided, multiple submitters, no conflicts (2 of 4 stars). 2 submissions from 2 submitters: Uncertain significance (2). Last evaluated 2025-06-11.

Conditions:
Marfan syndrome (MFS). Also called: MARFAN SYNDROME, TYPE I; Marfan syndrome type 1; Marfan's syndrome; Marfan syndrome, classic; FBN1-Related Marfan Syndrome. Identifiers: Orphanet 284963, Orphanet 558, MedGen C0024796, MONDO:0007947, OMIM 154700.
Familial thoracic aortic aneurysm and aortic dissection (TAAD). Also called: Thoracic aortic aneurysms and dissections. Identifiers: Orphanet 91387, MedGen C4707243, MONDO:0019625.

gnomAD v4.1: 2 of 1,614,016 alleles (0.00012%); highest among the groups gnomAD compares: African/African-American, 0.0027%; no homozygotes.

Submissions (2):

GeneDx
Classification: Uncertain significance. Last evaluated: 2025-06-11. Review status: criteria provided, single submitter. Criteria: GeneDx Variant Classification Process June 2021. Collection method: clinical testing. Allele origin: germline. Affected: yes.
Comment: Not observed at significant frequency in large population cohorts (gnomAD); In silico analysis supports that this missense variant has a deleterious effect on protein structure/function; Has not been previously published as pathogenic or benign to our knowledge; Does not affect a cysteine or calcium-binding residue within an EGF-like domain or a TGF-binding protein domain of the FBN1 gene; cysteine substitutions in the EGF-like domains represent the majority of pathogenic missense changes associated with FBN1-related disorders (PMID: 12938084); This variant is associated with the following publications: (PMID: 12938084)

Labcorp Genetics (formerly Invitae), Labcorp
Classification: Uncertain significance for Marfan syndrome; Familial thoracic aortic aneurysm and aortic dissection. Last evaluated: 2024-04-24. Review status: criteria provided, single submitter. Criteria: Invitae Variant Classification Sherloc (09022015). Collection method: clinical testing. Allele origin: germline.
Comment: This sequence change replaces glycine, which is neutral and non-polar, with alanine, which is neutral and non-polar, at codon 851 of the FBN1 protein (p.Gly851Ala). This variant is not present in population databases (gnomAD no frequency). This variant has not been reported in the literature in individuals affected with FBN1-related conditions. Advanced modeling of protein sequence and biophysical properties (such as structural, functional, and spatial information, amino acid conservation, physicochemical variation, residue mobility, and thermodynamic stability) performed at Invitae indicates that this missense variant is expected to disrupt FBN1 protein function with a positive predictive value of 95%. In summary, the available evidence is currently insufficient to determine the role of this variant in disease. Therefore, it has been classified as a Variant of Uncertain Significance.

NM_000138.5(FBN1):c.2552G>C (p.Gly851Ala)

Gene: FBN1 (fibrillin 1; minus strand). Cytogenetic location: 15q21.1.
Variant type: single nucleotide variant.
Coding change: c.2552G>C on transcript NM_000138.5 (MANE Select); coding-DNA position 2552, G replaced by C.
Protein change: p.Gly851Ala; replaces glycine 851 with alanine.
Molecular consequence: missense variant.
Genome position (GRCh38, 1-based): chr15:48,495,248, C>G on the plus strand (G>C on the coding strand, the complement: FBN1 is on the minus strand). VCF-style: chr15-48495248-C-G. GRCh37 (hg19) VCF-style: chr15-48787445-C-G.
Other names: c.2552G>C, p.Gly851Ala (NM_001406716.1); short protein forms G851A.
Identifiers: ClinVar variation 3748673 (VCV003748673.3).